The following is an entry in ClinVar:

NM_144670.6(A2ML1):c.1678A>G (p.Asn560Asp)

Gene: A2ML1 (alpha-2-macroglobulin like 1; plus strand). Cytogenetic location: 12p13.31.
Variant type: single nucleotide variant.
Coding change: c.1678A>G on transcript NM_144670.6 (MANE Select); coding-DNA position 1678, A replaced by G.
Protein change: p.Asn560Asp; replaces asparagine 560 with aspartic acid.
Molecular consequence: missense variant.
Genome position (GRCh38, 1-based): chr12:8,846,217, A>G. VCF-style: chr12-8846217-A-G. GRCh37 (hg19) VCF-style: chr12-8998813-A-G.
Other names: c.205A>G, p.Asn69Asp (NM_001282424.3); short protein forms N560D, N69D.
Identifiers: ClinVar variation 280898 (VCV000280898.10), dbSNP rs764188902, ClinGen allele CA6435762.

ClinVar aggregate classification (germline): Uncertain significance. Review status: criteria provided, multiple submitters, no conflicts (2 of 4 stars). 3 submissions from 3 submitters: Uncertain significance (3). Last evaluated 2025-12-10.

Allele frequency attached by ClinVar (database versions not stated): TOPMed 0.00001; ExAC 0.00002; gnomAD exomes 0.00002 and 0.00003; gnomAD 0.00003.
gnomAD v4.1: 45 of 1,614,028 alleles (0.0028%); highest among the groups gnomAD compares: East Asian, 0.04%; no homozygotes.

Submissions (3):

Labcorp Genetics (formerly Invitae), Labcorp
Classification: Uncertain significance. Last evaluated: 2025-12-10. Review status: criteria provided, single submitter. Criteria: Invitae Variant Classification Sherloc (09022015). Collection method: clinical testing. Allele origin: germline.
Comment: This sequence change replaces asparagine, which is neutral and polar, with aspartic acid, which is acidic and polar, at codon 560 of the A2ML1 protein (p.Asn560Asp). This variant is present in population databases (rs764188902, gnomAD 0.03%). This missense change has been observed in individual(s) with Noonan syndrome (PMID: 33318624). ClinVar contains an entry for this variant (Variation ID: 280898). An algorithm developed to predict the effect of missense changes on protein structure and function (PolyPhen-2) suggests that this variant is likely to be tolerated. In summary, the available evidence is currently insufficient to determine the role of this variant in disease. Therefore, it has been classified as a Variant of Uncertain Significance.

Department of Human Genetics, University Hospital Magdeburg
Classification: Uncertain significance. Last evaluated: 2020-07-09. Review status: criteria provided, single submitter. Criteria: ACMG Guidelines, 2015. Collection method: clinical testing. Allele origin: unknown. Inheritance: Autosomal dominant inheritance. Observed: 1 variant allele.
Comment: This variant was present 7 times in gnomAD (frequency 2.49e-5). In-silico prediction yielded consistent results regarding a damaging effect on the protein function (PP3).

GeneDx
Classification: Uncertain significance. Last evaluated: 2016-10-03. Review status: criteria provided, single submitter. Criteria: GeneDx Variant Classification (06012015). Collection method: clinical testing. Allele origin: germline. Affected: yes.
Comment: The N560D variant has not been published as a pathogenic variant, nor has it been reported as a benign variant to our knowledge. The variant was not observed in approximately 6,000 individuals of European and African American ancestry in the NHLBI Exome Sequencing Project, indicating it is not a common benign variant in these populations. N560D is a semi-conservative amino acid substitution, which may impact secondary protein structure as these residues differ in some properties. This substitution occurs at a position that is conserved across species, and in silico analysis predicts this variant is probably damaging to the protein structure/function. Therefore, based on the currently available information, it is unclear whether this variant is a pathogenic variant or a rare benign variant.

Literature cited by the submitters: PubMed 33318624 (cited by Labcorp Genetics (formerly Invitae), Labcorp).